The following is an entry in ClinVar:

NM_145068.4(TRPV3):c.297T>A (p.Asn99Lys)

Gene: TRPV3 (transient receptor potential cation channel subfamily V member 3; minus strand). Cytogenetic location: 17p13.2.
Variant type: single nucleotide variant.
Coding change: c.297T>A on transcript NM_145068.4 (MANE Select); coding-DNA position 297, T replaced by A.
Protein change: p.Asn99Lys; replaces asparagine 99 with lysine.
Molecular consequence: missense variant.
Genome position (GRCh38, 1-based): chr17:3,544,593, A>T on the plus strand (T>A on the coding strand, the complement: TRPV3 is on the minus strand). VCF-style: chr17-3544593-A-T. GRCh37 (hg19) VCF-style: chr17-3447887-A-T.
Other names: c.297T>A, p.Asn99Lys (NM_001258205.2); short protein forms N99K.
Identifiers: ClinVar variation 3618464 (VCV003618464.2).
Genomic context (GRCh38, chr17:3,544,593, plus strand): 5'-CCAGCCTGGGTGGGCACAGTGGGTGGAGGGGGAGGGGCAGACTTACCTGGGGCTGTTGGG[A>T]TTGGATGGGGTCTCTGTCACATCATCCTGAGGAGACTGGGGGGAGTCCATGTCATCACAG-3'
Protein context (NP_659505.1, residues 89-109): PQDDVTETPS[Asn99Lys]PNSPSAQLAK

ClinVar aggregate classification (germline): Uncertain significance (1 of 4 stars; one submission).

Submission:

Labcorp Genetics (formerly Invitae), Labcorp
Classification: Uncertain significance. Last evaluated: 2024-06-25. Review status: criteria provided, single submitter. Criteria: Invitae Variant Classification Sherloc (09022015). Collection method: clinical testing. Allele origin: germline.
Comment: This sequence change replaces asparagine, which is neutral and polar, with lysine, which is basic and polar, at codon 99 of the TRPV3 protein (p.Asn99Lys). This variant is not present in population databases (gnomAD no frequency). This variant has not been reported in the literature in individuals affected with TRPV3-related conditions. An algorithm developed to predict the effect of missense changes on protein structure and function (PolyPhen-2) suggests that this variant is likely to be disruptive. In summary, the available evidence is currently insufficient to determine the role of this variant in disease. Therefore, it has been classified as a Variant of Uncertain Significance.